The following is an entry in ClinVar:

ClinVar aggregate classification (germline): Uncertain significance (1 of 4 stars; one submission).

Conditions:
Brody myopathy. Also called: BRODY DISEASE. Identifiers: Orphanet 53347, MedGen C1832918, MONDO:0010977, OMIM 601003.

Allele frequency attached by ClinVar (database versions not stated): gnomAD 0.00001; gnomAD exomes 0.00001; TOPMed 0.00001; ESP Exome Variant Server 0.00008.

Submission:

Labcorp Genetics (formerly Invitae), Labcorp
Classification: Uncertain significance for Brody myopathy. Last evaluated: 2022-08-04. Review status: criteria provided, single submitter. Criteria: Invitae Variant Classification Sherloc (09022015). Collection method: clinical testing. Allele origin: germline.
Comment: This sequence change affects the initiator methionine of the ATP2A1 mRNA. The next in-frame methionine is located at codon 126. This variant is present in population databases (rs368689264, gnomAD 0.004%). This variant has not been reported in the literature in individuals affected with ATP2A1-related conditions. ClinVar contains an entry for this variant (Variation ID: 1044543). In summary, the available evidence is currently insufficient to determine the role of this variant in disease. Therefore, it has been classified as a Variant of Uncertain Significance.

NM_004320.6(ATP2A1):c.1A>G (p.Met1Val)

Gene: ATP2A1 (ATPase sarcoplasmic/endoplasmic reticulum Ca2+ transporting 1; plus strand). Cytogenetic location: 16p11.2.
Variant type: single nucleotide variant.
Coding change: c.1A>G on transcript NM_004320.6 (MANE Select); coding-DNA position 1, A replaced by G.
Protein change: p.Met1Val; changes the start codon (methionine 1).
Molecular consequence: missense variant, initiator codon variant.
Genome position (GRCh38, 1-based): chr16:28,878,672, A>G. VCF-style: chr16-28878672-A-G. GRCh37 (hg19) VCF-style: chr16-28889993-A-G.
Other names: c.1A>G, p.Met1Val (NM_173201.5); short protein forms M1V.
Identifiers: ClinVar variation 1044543 (VCV001044543.8), dbSNP rs368689264, ClinGen allele CA279225648.